The following is an entry in ClinVar:

NM_004655.4(AXIN2):c.2048C>T (p.Pro683Leu)

Gene: AXIN2 (axin 2; minus strand). Cytogenetic location: 17q24.1.
Variant type: single nucleotide variant.
Coding change: c.2048C>T on transcript NM_004655.4 (MANE Select); coding-DNA position 2048, C replaced by T.
Protein change: p.Pro683Leu; replaces proline 683 with leucine.
Molecular consequence: missense variant.
Genome position (GRCh38, 1-based): chr17:65,536,413, G>A on the plus strand (C>T on the coding strand, the complement: AXIN2 is on the minus strand). VCF-style: chr17-65536413-G-A. GRCh37 (hg19) VCF-style: chr17-63532531-G-A.
Other names: c.1853C>T, p.Pro618Leu (NM_001363813.1); c.2048C>T (LRG_296t1); short protein forms P683L, P618L.
Identifiers: ClinVar variation 533214 (VCV000533214.15), dbSNP rs1555577092, ClinGen allele CA400676088.
Genomic context (GRCh38, chr17:65,536,413, plus strand): 5'-CTGCGACAGGCCTCCTCCAGCTGAGCCAGCGTGTTGGGTGGGGTCAGGGGAGGCATCGCA[G>A]GGTCCTGGGTGAACAGGTGGGCACGGGGGGTGGTGCGGGGGTGCCCGCTGTTGCCCCCCC-3'
Protein context (NP_004646.3, residues 673-693): TPRAHLFTQD[Pro683Leu]AMPPLTPPNT

ClinVar aggregate classification (germline): Uncertain significance. Review status: criteria provided, multiple submitters, no conflicts (2 of 4 stars). 5 submissions from 5 submitters: Uncertain significance (5). Last evaluated 2025-12-02.

Conditions:
Oligodontia-cancer predisposition syndrome. Also called: TOOTH AGENESIS-COLORECTAL CANCER SYNDROME. Identifiers: Orphanet 300576, MedGen C1837750, MONDO:0012075, OMIM 608615. Disease mechanism: loss of function.
Colorectal cancer. Also called: Colorectal cancer, somatic; Malignant Colorectal Neoplasm. Identifiers: MedGen C0346629, MONDO:0005575, OMIM 114500.
Hereditary cancer-predisposing syndrome. Also called: Hereditary neoplastic syndrome; Neoplastic Syndromes, Hereditary; Tumor predisposition; Hereditary Cancer Syndrome. Identifiers: Orphanet 140162, MedGen C0027672, MeSH D009386, MONDO:0015356.

Allele frequency attached by ClinVar (database versions not stated): gnomAD exomes below 0.00001.
gnomAD v4.1: 2 of 1,613,826 alleles (0.00012%); highest among the groups gnomAD compares: Admixed American, 0.0017%; no homozygotes.

Submissions (5):

Ambry Genetics
Classification: Uncertain significance for Hereditary cancer-predisposing syndrome. Last evaluated: 2025-12-02. Review status: criteria provided, single submitter. Criteria: Ambry Variant Classification Scheme 2023. Collection method: clinical testing. Allele origin: germline.

Labcorp Genetics (formerly Invitae), Labcorp
Classification: Uncertain significance for Oligodontia-cancer predisposition syndrome. Last evaluated: 2025-11-10. Review status: criteria provided, single submitter. Criteria: Invitae Variant Classification Sherloc (09022015). Collection method: clinical testing. Allele origin: germline.
Comment: This sequence change replaces proline, which is neutral and non-polar, with leucine, which is neutral and non-polar, at codon 683 of the AXIN2 protein (p.Pro683Leu). This variant is not present in population databases (gnomAD no frequency). This variant has not been reported in the literature in individuals affected with AXIN2-related conditions. ClinVar contains an entry for this variant (Variation ID: 533214). Invitae Evidence Modeling of protein sequence and biophysical properties (such as structural, functional, and spatial information, amino acid conservation, physicochemical variation, residue mobility, and thermodynamic stability) indicates that this missense variant is not expected to disrupt AXIN2 protein function with a negative predictive value of 80%. In summary, the available evidence is currently insufficient to determine the role of this variant in disease. Therefore, it has been classified as a Variant of Uncertain Significance.

Center for Genomic Medicine, Rigshospitalet, Copenhagen University Hospital
Classification: Uncertain significance. Last evaluated: 2025-03-04. Review status: criteria provided, single submitter. Criteria: ACMG Guidelines, 2015. Collection method: clinical testing. Allele origin: germline.

GeneDx
Classification: Uncertain significance. Last evaluated: 2024-09-03. Review status: criteria provided, single submitter. Criteria: GeneDx Variant Classification Process June 2021. Collection method: clinical testing. Allele origin: germline. Affected: yes.
Comment: Not observed at significant frequency in large population cohorts (gnomAD); In silico analysis supports that this missense variant has a deleterious effect on protein structure/function; Has not been previously published as pathogenic or benign to our knowledge; This variant is associated with the following publications: (PMID: 15735151)

Baylor Genetics
Classification: Uncertain significance for Colorectal cancer. Last evaluated: 2023-10-20. Review status: criteria provided, single submitter. Criteria: ACMG Guidelines, 2015. Collection method: clinical testing. Allele origin: unknown.